The following is an entry in ClinVar:

NM_001364171.2(ODAD1):c.813_816dup (p.Pro273fs)

Gene: ODAD1 (outer dynein arm docking complex subunit 1; minus strand). Cytogenetic location: 19q13.33.
Variant type: Duplication.
Coding change: c.813_816dup on transcript NM_001364171.2 (MANE Select); coding-DNA positions 813 to 816, 4 bases duplicated (GCAG; older notation c.813_816dupGCAG).
Protein change: p.Pro273fs; shifts the reading frame from proline 273.
Molecular consequence: frameshift variant.
Genome position (GRCh38, 1-based): chr19:48,303,990-48,303,993, CTGC duplicated on the plus strand (GCAG on the coding strand, the reverse complement: ODAD1 is on the minus strand); duplicating any 4 consecutive bases within chr19:48,303,990-48,303,994 gives the same sequence; the c. name uses the placement nearest the transcript's 3' end. VCF-style (leftmost placement, unchanged base first): chr19-48303989-G-GCTGC. GRCh37 (hg19) VCF-style: chr19-48807246-G-GCTGC.
Other names: c.702_705dup, p.Pro236fs (NM_144577.4); short protein forms P236fs, P273fs.
Identifiers: ClinVar variation 2630887 (VCV002630887.5), dbSNP rs1294704273, ClinGen allele CA883002078.

ClinVar aggregate classification (germline): Pathogenic/Likely pathogenic. Review status: criteria provided, multiple submitters, no conflicts (2 of 4 stars). 4 submissions from 4 submitters: Pathogenic (2); Likely pathogenic (2). Last evaluated 2025-11-04.

Conditions:
ODAD1-related disorder. Also called: ODAD1-related condition.
Primary ciliary dyskinesia. Also called: Ciliary dyskinesia. Identifiers: Orphanet 244, MedGen C0008780, MONDO:0016575, HP:0012265.
Primary ciliary dyskinesia 20. Also called: CILIARY DYSKINESIA, PRIMARY, 20, WITH OR WITHOUT SITUS INVERSUS. Identifiers: Orphanet 244, MedGen C3540844, MONDO:0014030, OMIM 615067.

Submissions (4):

Labcorp Genetics (formerly Invitae), Labcorp
Classification: Pathogenic for Primary ciliary dyskinesia. Last evaluated: 2025-11-04. Review status: criteria provided, single submitter. Criteria: Invitae Variant Classification Sherloc (09022015). Collection method: clinical testing. Allele origin: germline.
Comment: This sequence change creates a premature translational stop signal (p.Pro236Alafs*11) in the CCDC114 gene. It is expected to result in an absent or disrupted protein product. Loss-of-function variants in CCDC114 are known to be pathogenic (PMID: 23261302, 23261303). This variant is not present in population databases (gnomAD no frequency). This premature translational stop signal has been observed in individual(s) with primary ciliary dyskinesia (PMID: 33577779, 34134972). ClinVar contains an entry for this variant (Variation ID: 2630887). For these reasons, this variant has been classified as Pathogenic.

PreventionGenetics, part of Exact Sciences
Classification: Likely pathogenic for ODAD1-related condition. Last evaluated: 2025-04-11. Review status: criteria provided, single submitter. Criteria: ACMG Guidelines, 2015. Collection method: clinical testing. Allele origin: germline.
Comment: The ODAD1 c.702_705dupGCAG variant is predicted to result in a frameshift and premature protein termination (p.Pro236Alafs*11). To our knowledge, this variant has not been reported in the literature or in gnomAD, indicating this variant is rare. Frameshift variants in ODAD1 are expected to be pathogenic. This variant is interpreted as likely pathogenic.

3billion
Classification: Pathogenic for Primary ciliary dyskinesia 20. Last evaluated: 2024-07-22. Review status: criteria provided, single submitter. Criteria: ACMG Guidelines, 2015. Collection method: clinical testing. Allele origin: germline. Affected: yes.
Comment: The variant is observed at an extremely low frequency in the gnomAD v4.0.0 dataset (total allele frequency: <0.001%). Predicted Consequence/Location: Frameshift: predicted to result in a loss or disruption of normal protein function through nonsense-mediated decay (NMD) or protein truncation. Multiple pathogenic variants are reported downstream of the variant. The variant has been reported to be in trans with a pathogenic variant as either compound heterozygous or homozygous in at least one similarly affected unrelated individual (3billion dataset). The variant has been reported to be associated with ODAD1-related disorder (ClinVar ID: VCV002630887 /PMID: 33577779). Therefore, this variant is classified as Pathogenic according to the recommendation of ACMG/AMP guideline.

Juno Genomics, Hangzhou Juno Genomics, Inc
Classification: Likely pathogenic for Primary ciliary dyskinesia 20. Review status: criteria provided, single submitter. Criteria: ACMG Guidelines, 2015. Collection method: clinical testing. Allele origin: germline. Affected: yes.
Comment: Absent from controls (or at extremely low frequency if recessive) in Genome Aggregation Database, Exome Sequencing Project, 1000 Genomes Project, or Exome Aggregation Consortium.;Null variant in a gene where loss of function (LOF) is a known mechanism of disease.

Literature cited by the submitters: PubMed 23261302 (cited by Labcorp Genetics (formerly Invitae), Labcorp); PubMed 23261303 (cited by Labcorp Genetics (formerly Invitae), Labcorp); PubMed 33577779 (cited by Labcorp Genetics (formerly Invitae), Labcorp and 3billion); PubMed 34134972 (cited by Labcorp Genetics (formerly Invitae), Labcorp).